The following is an entry in ClinVar:

NM_001077653.2(TBX20):c.575C>T (p.Thr192Ile)

Gene: TBX20 (T-box transcription factor 20; minus strand). Cytogenetic location: 7p14.2.
Variant type: single nucleotide variant.
Coding change: c.575C>T on transcript NM_001077653.2 (MANE Select); coding-DNA position 575, C replaced by T.
Protein change: p.Thr192Ile; replaces threonine 192 with isoleucine.
Molecular consequence: missense variant.
Genome position (GRCh38, 1-based): chr7:35,245,028, G>A on the plus strand (C>T on the coding strand, the complement: TBX20 is on the minus strand). VCF-style: chr7-35245028-G-A. GRCh37 (hg19) VCF-style: chr7-35284640-G-A.
Other names: c.575C>T, p.Thr192Ile (NM_001166220.1); short protein forms T192I.
Identifiers: ClinVar variation 3453875 (VCV003453875.3).

ClinVar aggregate classification (germline): Uncertain significance. Review status: criteria provided, multiple submitters, no conflicts (2 of 4 stars). 2 submissions from 2 submitters: Uncertain significance (2). Last evaluated 2024-09-14.

Conditions:
Cardiovascular phenotype. Identifiers: MedGen CN230736.

gnomAD v4.1: 4 of 1,613,510 alleles (0.00025%); highest among the groups gnomAD compares: Non-Finnish European, 0.00034%; no homozygotes.

Submissions (2):

Ambry Genetics
Classification: Uncertain significance for Cardiovascular phenotype. Last evaluated: 2024-09-14. Review status: criteria provided, single submitter. Criteria: Ambry Variant Classification Scheme 2023. Collection method: clinical testing. Allele origin: germline.
Comment: The p.T192I variant (also known as c.575C>T), located in coding exon 4 of the TBX20 gene, results from a C to T substitution at nucleotide position 575. The threonine at codon 192 is replaced by isoleucine, an amino acid with similar properties. This amino acid position is conserved. In addition, this alteration is predicted to be deleterious by in silico analysis. Based on the available evidence, the clinical significance of this variant remains unclear.

Labcorp Genetics (formerly Invitae), Labcorp
Classification: Uncertain significance. Last evaluated: 2024-07-22. Review status: criteria provided, single submitter. Criteria: Invitae Variant Classification Sherloc (09022015). Collection method: clinical testing. Allele origin: germline.
Comment: This sequence change replaces threonine, which is neutral and polar, with isoleucine, which is neutral and non-polar, at codon 192 of the TBX20 protein (p.Thr192Ile). This variant is not present in population databases (gnomAD no frequency). This variant has not been reported in the literature in individuals affected with TBX20-related conditions. Advanced modeling of protein sequence and biophysical properties (such as structural, functional, and spatial information, amino acid conservation, physicochemical variation, residue mobility, and thermodynamic stability) performed at Invitae indicates that this missense variant is not expected to disrupt TBX20 protein function with a negative predictive value of 80%. In summary, the available evidence is currently insufficient to determine the role of this variant in disease. Therefore, it has been classified as a Variant of Uncertain Significance.